The following is an entry in ClinVar:

NM_015175.3(NBEAL2):c.4957G>T (p.Ala1653Ser)

Gene: NBEAL2 (neurobeachin like 2; plus strand). Cytogenetic location: 3p21.31.
Variant type: single nucleotide variant.
Coding change: c.4957G>T on transcript NM_015175.3 (MANE Select); coding-DNA position 4957, G replaced by T.
Protein change: p.Ala1653Ser; replaces alanine 1653 with serine.
Molecular consequence: missense variant.
Genome position (GRCh38, 1-based): chr3:47,002,094, G>T. VCF-style: chr3-47002094-G-T. GRCh37 (hg19) VCF-style: chr3-47043584-G-T.
Other names: c.4855G>T, p.Ala1619Ser (NM_001365116.2); short protein forms A1619S, A1653S.
Identifiers: ClinVar variation 4995619 (VCV004995619.1).
Genomic context (GRCh38, chr3:47,002,094, plus strand): 5'-CTGAACACCTCTTCCTTGGAGTCAGCCACTGATGAGGCAGGGTCCCCACTTGCAGCTGCA[G>T]CAGCTGCAGCAGCTGCAGAGCGCTGCTCCTGGCTGGTGCCACTGGTGCGCACGCTGCTAG-3'
Protein context (NP_055990.1, residues 1643-1663): DEAGSPLAAA[Ala1653Ser]AAAAAERCSW

ClinVar aggregate classification (germline): Uncertain significance (1 of 4 stars; one submission).

Conditions:
NBEAL2-related disorder. Also called: NBEAL2-related condition.

gnomAD v4.1: 4 of 1,550,534 alleles (0.00026%); highest among the groups gnomAD compares: Non-Finnish European, 0.00035%; no homozygotes.

Submission:

PreventionGenetics, part of Exact Sciences
Classification: Uncertain significance for NBEAL2-related condition. Last evaluated: 2025-12-22. Review status: criteria provided, single submitter. Criteria: ACMG Guidelines, 2015. Collection method: clinical testing. Allele origin: germline.
Comment: The NBEAL2 c.4957G>T variant is predicted to result in the amino acid substitution p.Ala1653Ser. To our knowledge, this variant has not been reported in the literature or in a large population database (gnomAD), indicating this variant is rare. At this time, the clinical significance of this variant is uncertain due to the absence of conclusive functional and genetic evidence.